The following is an entry in ClinVar:

ClinVar aggregate classification (germline): Uncertain significance. Review status: criteria provided, multiple submitters, no conflicts (2 of 4 stars). 2 submissions from 2 submitters: Uncertain significance (2). Last evaluated 2025-12-01.

Submissions (2):

CeGaT Center for Human Genetics Tuebingen
Classification: Uncertain significance. Last evaluated: 2025-12-01. Review status: criteria provided, single submitter. Criteria: CeGaT Center For Human Genetics Tuebingen Variant Classification Criteria Version 2. Collection method: clinical testing. Allele origin: germline. Affected: yes. Observed: 1 variant allele.

GeneDx
Classification: Uncertain significance. Last evaluated: 2019-05-13. Review status: criteria provided, single submitter. Criteria: GeneDx Variant Classification Process June 2021. Collection method: clinical testing. Allele origin: germline. Affected: yes.
Comment: This variant is associated with the following publications: (PMID: 23160955)

NM_014491.4(FOXP2):c.397-206dup

Gene: FOXP2 (forkhead box P2; plus strand). Cytogenetic location: 7q31.1.
Variant type: Duplication.
Coding change: c.397-206dup on transcript NM_014491.4 (MANE Select); 206 bases into the intron before coding-DNA position 397, one base duplicated (T; older notation c.397-206dupT).
Molecular consequence: intron variant. On other transcripts: frameshift variant (1), non-coding transcript variant (1).
Genome position (GRCh38, 1-based): chr7:114,629,599, T duplicated; the last of 6 consecutive T bases (chr7:114,629,594-114,629,599); duplicating any one gives the same sequence. VCF-style (leftmost placement, unchanged base first): chr7-114629593-A-AT. GRCh37 (hg19) VCF-style: chr7-114269648-A-AT.
Other names: c.404dup, p.Leu135fs (NM_148900.4); c.472-206dup (NM_148898.4, NM_001172767.2); c.397-206dup (NM_001172766.3, NM_148899.3); short protein forms L135fs.
Identifiers: ClinVar variation 1196658 (VCV001196658.7), dbSNP rs779326713, ClinGen allele CA4445788.